The following is an entry in ClinVar:

NM_004006.3(DMD):c.6614+2T>C

Gene: DMD (dystrophin; minus strand). Cytogenetic location: Xp21.1.
Variant type: single nucleotide variant.
Coding change: c.6614+2T>C on transcript NM_004006.3 (MANE Select); the canonical splice donor site of the intron after coding-DNA position 6614, T replaced by C.
Molecular consequence: splice donor variant.
Genome position (GRCh38, 1-based): chrX:31,968,337, A>G on the plus strand (T>C on the coding strand, the complement: DMD is on the minus strand). VCF-style: chrX-31968337-A-G. GRCh37 (hg19) VCF-style: chrX-31986454-A-G.
Other names: c.6590+2T>C (NM_000109.4); c.2591+2T>C (NM_004011.4); c.2582+2T>C (NM_004012.4); c.-767+2T>C (NM_004023.3, NM_004020.4, NM_004022.3 and 2 more transcripts); c.6602+2T>C (NM_004009.3); c.6245+2T>C (NM_004010.3).
Identifiers: ClinVar variation 409914 (VCV000409914.18), dbSNP rs1060502641, ClinGen allele CA16616497.

ClinVar aggregate classification (germline): Pathogenic. Review status: criteria provided, multiple submitters, no conflicts (2 of 4 stars). 3 submissions from 3 submitters: Pathogenic (3). Last evaluated 2025-05-02.

Conditions:
Duchenne muscular dystrophy (DMD). Also called: MUSCULAR DYSTROPHY, PSEUDOHYPERTROPHIC PROGRESSIVE, DUCHENNE TYPE; Duchenne Muscular Dystrophy (DMD). Identifiers: Orphanet 98896, MedGen C0013264, MONDO:0010679, OMIM 310200.

Submissions (3):

Revvity Omics, Revvity
Classification: Pathogenic. Last evaluated: 2025-05-02. Review status: criteria provided, single submitter. Criteria: ACMG Guidelines, 2015. Collection method: clinical testing. Allele origin: germline.

Labcorp Genetics (formerly Invitae), Labcorp
Classification: Pathogenic for Duchenne muscular dystrophy. Last evaluated: 2019-07-04. Review status: criteria provided, single submitter. Criteria: Invitae Variant Classification Sherloc (09022015). Collection method: clinical testing. Allele origin: germline.
Comment: This sequence change affects a donor splice site in intron 45 of the DMD gene. It is expected to disrupt RNA splicing and likely results in an absent or disrupted protein product. For these reasons, this variant has been classified as Pathogenic. Donor and acceptor splice site variants typically lead to a loss of protein function (PMID: 16199547), and loss-of-function variants in DMD are known to be pathogenic (PMID: 16770791, 25007885). This variant has been observed in several individuals affected with Duchenne muscular dystrophy (PMID: 11524473, 19937601 ). ClinVar contains an entry for this variant (Variation ID: 409914). This variant is not present in population databases (ExAC no frequency).

ARUP Laboratories, Molecular Genetics and Genomics, ARUP Laboratories
Classification: Pathogenic. Last evaluated: 2016-12-07. Review status: criteria provided, single submitter. Criteria: ARUP Molecular Germline Variant Investigation Process. Collection method: clinical testing. Allele origin: germline.

Literature cited by the submitters: PubMed 16199547 (cited by Labcorp Genetics (formerly Invitae), Labcorp); PubMed 16770791 (cited by Labcorp Genetics (formerly Invitae), Labcorp); PubMed 25007885 (cited by Labcorp Genetics (formerly Invitae), Labcorp); PubMed 11524473 (cited by Labcorp Genetics (formerly Invitae), Labcorp); PubMed 19937601 (cited by Labcorp Genetics (formerly Invitae), Labcorp).